The following is an entry in ClinVar:

NM_000528.4(MAN2B1):c.1527+2T>G

Gene: MAN2B1 (mannosidase alpha class 2B member 1; minus strand). Cytogenetic location: 19p13.13.
Variant type: single nucleotide variant.
Coding change: c.1527+2T>G on transcript NM_000528.4 (MANE Select); the canonical splice donor site of the intron after coding-DNA position 1527, T replaced by G.
Molecular consequence: splice donor variant.
Genome position (GRCh38, 1-based): chr19:12,656,947, A>C on the plus strand (T>G on the coding strand, the complement: MAN2B1 is on the minus strand). VCF-style: chr19-12656947-A-C. GRCh37 (hg19) VCF-style: chr19-12767761-A-C.
Other names: c.1524+2T>G (NM_001173498.2); c.1527+2T>G (NM_000528.3).
Identifiers: ClinVar variation 1414424 (VCV001414424.11), dbSNP rs2145254041, ClinGen allele CA404246043.

ClinVar aggregate classification (germline): Pathogenic. Review status: criteria provided, multiple submitters, no conflicts (2 of 4 stars). 3 submissions from 3 submitters: Pathogenic (3). Last evaluated 2025-05-05.

Conditions:
Deficiency of alpha-mannosidase (MANSA). Also called: Alpha-Mannosidosis; LYSOSOMAL ALPHA-D-MANNOSIDASE DEFICIENCY; Mannosidosis, alpha-, types I and II. Identifiers: Orphanet 61, MedGen C0024748, MONDO:0009561, OMIM 248500.

Submissions (3):

Natera, Inc.
Classification: Pathogenic for Alpha-mannosidosis. Last evaluated: 2025-05-05. Review status: criteria provided, single submitter. Criteria: Natera Variant Classification Schema (03/2026). Collection method: clinical testing. Allele origin: germline.
Comment: The c.1527+2T>G variant in MAN2B1 is a canonical splice donor site variant predicted to affect pre-mRNA splicing, which may result in an abnormal transcript and altered protein product. This variant may result in a truncated or dysfunctional protein product. This variant is rare in the general population with a frequency below the threshold expected for the associated phenotype(s). This variant has been observed in one or more individuals affected with the associated recessive disease, as either homozygous or compound heterozygous with a second variant (PMID: 22161967, 9915946). Additionally, this variant has been observed to segregate in affected family members (PMID: 9915946). Functional studies show that this variant may disrupt protein function (PMID: 15712269). Given the available evidence, this variant is classified as Pathogenic.

Baylor Genetics
Classification: Pathogenic for Deficiency of alpha-mannosidase. Last evaluated: 2023-07-27. Review status: criteria provided, single submitter. Criteria: ACMG Guidelines, 2015. Collection method: clinical testing. Allele origin: unknown.

Labcorp Genetics (formerly Invitae), Labcorp
Classification: Pathogenic for Deficiency of alpha-mannosidase. Last evaluated: 2021-04-28. Review status: criteria provided, single submitter. Criteria: Invitae Variant Classification Sherloc (09022015). Collection method: clinical testing. Allele origin: germline.
Comment: For these reasons, this variant has been classified as Pathogenic. Algorithms developed to predict the effect of sequence changes on RNA splicing suggest that this variant may disrupt the consensus splice site, but this prediction has not been confirmed by published transcriptional studies. This variant has been observed in individual(s) with MAN2B1-related conditions (PMID: 9915946, 15712269). It has also been observed to segregate with disease in related individuals. This variant is not present in population databases (ExAC no frequency). This sequence change affects a donor splice site in intron 12 of the MAN2B1 gene. It is expected to disrupt RNA splicing. Variants that disrupt the donor or acceptor splice site typically lead to a loss of protein function (PMID: 16199547), and loss-of-function variants in MAN2B1 are known to be pathogenic (PMID: 9915946, 22161967).

Literature cited by the submitters: PubMed 22161967 (cited by Natera, Inc. and Labcorp Genetics (formerly Invitae), Labcorp); PubMed 9915946 (cited by Natera, Inc. and Labcorp Genetics (formerly Invitae), Labcorp); PubMed 15712269 (cited by Natera, Inc. and Labcorp Genetics (formerly Invitae), Labcorp); PubMed 16199547 (cited by Labcorp Genetics (formerly Invitae), Labcorp).